The following is an entry in ClinVar:

NM_003285.3(TNR):c.2550A>G (p.Thr850=)

Gene: TNR (tenascin R; minus strand). Cytogenetic location: 1q25.1.
Variant type: single nucleotide variant.
Coding change: c.2550A>G on transcript NM_003285.3 (MANE Select); coding-DNA position 2550, A replaced by G.
Protein change: p.Thr850=; no amino-acid change (threonine 850 retained).
Molecular consequence: synonymous variant.
Genome position (GRCh38, 1-based): chr1:175,365,047, T>C on the plus strand (A>G on the coding strand, the complement: TNR is on the minus strand). VCF-style: chr1-175365047-T-C. GRCh37 (hg19) VCF-style: chr1-175334183-T-C.
Other names: c.1551A>G, p.Thr517= (NM_001328635.2).
Identifiers: ClinVar variation 735601 (VCV000735601.13), dbSNP rs139865233, ClinGen allele CA1255614.

ClinVar aggregate classification (germline): Benign/Likely benign. Review status: criteria provided, multiple submitters, no conflicts (2 of 4 stars). 2 submissions from 2 submitters: Benign (1); Likely benign (1). Last evaluated 2025-05-01.

Allele frequency attached by ClinVar (database versions not stated): gnomAD exomes 0.00018; ExAC 0.00022; 1000 Genomes Project 30x 0.00062; gnomAD 0.00062 and 0.00067; TOPMed 0.00075; 1000 Genomes Project 0.00080; ESP Exome Variant Server 0.00108.
gnomAD v4.1: 181 of 1,613,726 alleles (0.011%); highest among the groups gnomAD compares: African/African-American, 0.22%; 1 homozygote.

Submissions (2):

CeGaT Center for Human Genetics Tuebingen
Classification: Likely benign. Last evaluated: 2025-05-01. Review status: criteria provided, single submitter. Criteria: CeGaT Center For Human Genetics Tuebingen Variant Classification Criteria Version 2. Collection method: clinical testing. Allele origin: germline. Affected: yes. Observed: 1 variant allele.
Comment: TNR: BP4, BP7

Labcorp Genetics (formerly Invitae), Labcorp
Classification: Benign. Last evaluated: 2018-10-24. Review status: criteria provided, single submitter. Criteria: Invitae Variant Classification Sherloc (09022015). Collection method: clinical testing. Allele origin: germline.